The following is an entry in ClinVar:

NM_006904.7(PRKDC):c.4578G>T (p.Glu1526Asp)

Gene: PRKDC (protein kinase, DNA-activated, catalytic subunit; minus strand). Cytogenetic location: 8q11.21.
Variant type: single nucleotide variant.
Coding change: c.4578G>T on transcript NM_006904.7 (MANE Select); coding-DNA position 4578, G replaced by T.
Protein change: p.Glu1526Asp; replaces glutamic acid 1526 with aspartic acid.
Molecular consequence: missense variant.
Genome position (GRCh38, 1-based): chr8:47,886,142, C>A on the plus strand (G>T on the coding strand, the complement: PRKDC is on the minus strand). VCF-style: chr8-47886142-C-A. GRCh37 (hg19) VCF-style: chr8-48798703-C-A.
Other names: c.4578G>T, p.Glu1526Asp (NM_001081640.2); short protein forms E1526D.
Identifiers: ClinVar variation 1386150 (VCV001386150.5), dbSNP rs367604576, ClinGen allele CA371143377.
Genomic context (GRCh38, chr8:47,886,142, plus strand): 5'-TGAGCTGCCCAAGGACGCCGTGGACAGCACCGCTGGGTTCAGGAGAAGACTCACAAGGCG[C>A]TCACACTGGGAAAAAGAAAGGAGAAGTACCATAACTGGGGCACATCTTTGCATGGCACAG-3'
Protein context (NP_008835.5, residues 1516-1536): ELAFAFGGLC[Glu1526Asp]RLVSLLLNPA

ClinVar aggregate classification (germline): Uncertain significance (1 of 4 stars; one submission).

Conditions:
Severe combined immunodeficiency due to DNA-PKcs deficiency. Also called: IMMUNODEFICIENCY 26 WITH NEUROLOGIC ABNORMALITIES; Immunodeficiency 26 with or without neurologic abnormalities. Identifiers: Orphanet 317425, MedGen C4014833, MONDO:0014423, OMIM 615966.

Submission:

Labcorp Genetics (formerly Invitae), Labcorp
Classification: Uncertain significance for Severe combined immunodeficiency due to DNA-PKcs deficiency. Last evaluated: 2024-07-01. Review status: criteria provided, single submitter. Criteria: Invitae Variant Classification Sherloc (09022015). Collection method: clinical testing. Allele origin: germline.
Comment: This sequence change replaces glutamic acid, which is acidic and polar, with aspartic acid, which is acidic and polar, at codon 1526 of the PRKDC protein (p.Glu1526Asp). This variant is not present in population databases (gnomAD no frequency). This variant has not been reported in the literature in individuals affected with PRKDC-related conditions. ClinVar contains an entry for this variant (Variation ID: 1386150). Advanced modeling of protein sequence and biophysical properties (such as structural, functional, and spatial information, amino acid conservation, physicochemical variation, residue mobility, and thermodynamic stability) performed at Invitae indicates that this missense variant is not expected to disrupt PRKDC protein function with a negative predictive value of 80%. In summary, the available evidence is currently insufficient to determine the role of this variant in disease. Therefore, it has been classified as a Variant of Uncertain Significance.